The following is an entry in ClinVar:

NM_176824.3(BBS7):c.640G>A (p.Gly214Arg)

Gene: BBS7 (Bardet-Biedl syndrome 7; minus strand). Cytogenetic location: 4q27.
Variant type: single nucleotide variant.
Coding change: c.640G>A on transcript NM_176824.3 (MANE Select); coding-DNA position 640, G replaced by A.
Protein change: p.Gly214Arg; replaces glycine 214 with arginine.
Molecular consequence: missense variant.
Genome position (GRCh38, 1-based): chr4:121,854,782, C>T on the plus strand (G>A on the coding strand, the complement: BBS7 is on the minus strand). VCF-style: chr4-121854782-C-T. GRCh37 (hg19) VCF-style: chr4-122775937-C-T.
Other names: c.640G>A, p.Gly214Arg (NM_018190.4); short protein forms G214R.
Identifiers: ClinVar variation 1518093 (VCV001518093.7), dbSNP rs1226167451, ClinGen allele CA358066067.

ClinVar aggregate classification (germline): Uncertain significance. Review status: criteria provided, multiple submitters, no conflicts (2 of 4 stars). 3 submissions from 3 submitters: Uncertain significance (3). Last evaluated 2025-08-04.

Conditions:
Bardet-Biedl syndrome 7 (BBS7). Identifiers: Orphanet 110, MedGen C1859565, MONDO:0014435, OMIM 615984.
Bardet-Biedl syndrome (BBS). Identifiers: Orphanet 110, MedGen C0752166, MONDO:0015229.

Allele frequency attached by ClinVar (database versions not stated): gnomAD 0.00001; gnomAD exomes below 0.00001.
gnomAD v4.1: 7 of 1,612,422 alleles (0.00043%); highest among the groups gnomAD compares: African/African-American, 0.0013%; no homozygotes.

Submissions (3):

3billion
Classification: Uncertain significance for Bardet-Biedl syndrome 7. Last evaluated: 2025-08-04. Review status: criteria provided, single submitter. Criteria: ACMG Guidelines, 2015. Collection method: clinical testing. Allele origin: germline. Affected: yes.
Comment: The variant is observed at an extremely low frequency in the gnomAD v4.1.0 dataset (total allele frequency: <0.001%). Predicted Consequence/Location: Missense variant In silico tool predictions suggest damaging effect of the variant on gene or gene product [REVEL: 0.87 (>=0.6, sensitivity 0.68 and specificity 0.92); 3Cnet: 0.84 (> 0.75, sensitivity 0.96 and precision 0.92)]. The variant has been reported as of uncertain significance (ClinVar ID: VCV001518093, VCV001705662; PMID: 21209035; 3billion dataset). Therefore, this variant is classified as VUS according to the recommendation of ACMG/AMP guideline.

Fulgent Genetics
Classification: Uncertain significance for Bardet-Biedl syndrome 7. Last evaluated: 2022-05-04. Review status: criteria provided, single submitter. Criteria: ACMG Guidelines, 2015. Collection method: clinical testing. Allele origin: unknown.

Labcorp Genetics (formerly Invitae), Labcorp
Classification: Uncertain significance for Bardet-Biedl syndrome. Last evaluated: 2021-09-24. Review status: criteria provided, single submitter. Criteria: Invitae Variant Classification Sherloc (09022015). Collection method: clinical testing. Allele origin: germline.
Comment: This sequence change replaces glycine with arginine at codon 214 of the BBS7 protein (p.Gly214Arg). The glycine residue is highly conserved and there is a moderate physicochemical difference between glycine and arginine. This variant is not present in population databases (ExAC no frequency). This variant has been observed in individual(s) with Bardet-Biedl syndrome (PMID: 21209035). Algorithms developed to predict the effect of missense changes on protein structure and function are either unavailable or do not agree on the potential impact of this missense change (SIFT: "Deleterious"; PolyPhen-2: "Probably Damaging"; Align-GVGD: "Class C15"). In summary, the available evidence is currently insufficient to determine the role of this variant in disease. Therefore, it has been classified as a Variant of Uncertain Significance.

Literature cited by the submitters: PubMed 21209035 (cited by Labcorp Genetics (formerly Invitae), Labcorp).